The following is an entry in ClinVar:

NM_001267550.2(TTN):c.75900del (p.Pro25301fs)

Genes: TTN (titin; minus strand), TTN-AS1 (TTN antisense RNA 1; plus strand). Cytogenetic location: 2q31.2.
Variant type: Deletion.
Coding change: c.75900del on transcript NM_001267550.2 (MANE Select); coding-DNA position 75900, one base deleted (T; older notation c.75900delT).
Protein change: p.Pro25301fs; shifts the reading frame from proline 25301.
Molecular consequence: frameshift variant.
Genome position (GRCh38, 1-based): chr2:178,570,232, A deleted on the plus strand (T on the coding strand, the reverse complement: TTN is on the minus strand). VCF-style (leftmost placement, unchanged base first): chr2-178570231-GA-G. GRCh37 (hg19) VCF-style: chr2-179434958-GA-G.
Other names: c.70977del, p.Pro23660fs (NM_001256850.1); c.48705del, p.Pro16236fs (NM_003319.4); c.68196del, p.Pro22733fs (NM_133378.4); c.49080del, p.Pro16361fs (NM_133432.3); c.49281del, p.Pro16428fs (NM_133437.4); short protein forms P16361fs, P22733fs, P23660fs, P25301fs, P16236fs, P16428fs.
Identifiers: ClinVar variation 2089213 (VCV002089213.4), dbSNP rs2468441928, ClinGen allele CA2580064581.
Genomic context (GRCh38, chr2:178,570,231, plus strand): 5'-TTGAGTCCTTGGTCACTGTTGTGACTTCTGGAGCTTTTGGTGCATCTGGTACTACAAATG[GA>G]TTCTTGGCAACTACTGGCTCAGATTCAAGAGGTTCACCAACACCATATTTGTTTACTGCC-3'

ClinVar aggregate classification (germline): Likely pathogenic (1 of 4 stars; one submission).

Conditions:
Autosomal recessive limb-girdle muscular dystrophy type 2J (LGMDR10). Also called: Limb-girdle muscular dystrophy, type 2J; MUSCULAR DYSTROPHY, LIMB-GIRDLE, AUTOSOMAL RECESSIVE 10. Identifiers: Orphanet 140922, MedGen C1837342, MONDO:0012127, OMIM 608807.
Dilated cardiomyopathy 1G (CMD1G). Identifiers: Orphanet 154, MedGen C1858763, MONDO:0011400, OMIM 604145.

Submission:

Labcorp Genetics (formerly Invitae), Labcorp
Classification: Likely pathogenic for Dilated cardiomyopathy 1G; Autosomal recessive limb-girdle muscular dystrophy type 2J. Last evaluated: 2022-01-23. Review status: criteria provided, single submitter. Criteria: Invitae Variant Classification Sherloc (09022015). Collection method: clinical testing. Allele origin: germline.
Comment: This sequence change creates a premature translational stop signal (p.Pro25301Hisfs*3) in the TTN gene. While this is not anticipated to result in nonsense mediated decay, it is expected to create a truncated TTN protein. This variant is not present in population databases (gnomAD no frequency). This variant has not been reported in the literature in individuals affected with TTN-related conditions. This variant is located in the A band of TTN (PMID: 25589632). Truncating variants in this region are significantly overrepresented in patients affected with dilated cardiomyopathy (PMID: 25589632). Truncating variants in this region have also been reported in individuals affected with autosomal recessive centronuclear myopathy (PMID: 23975875). In summary, the currently available evidence indicates that the variant is pathogenic, but additional data are needed to prove that conclusively. Therefore, this variant has been classified as Likely Pathogenic.

Literature cited by the submitters: PubMed 25589632; PubMed 23975875.